The following is an entry in ClinVar:

ClinVar aggregate classification (germline): Uncertain significance (1 of 4 stars; one submission).

Conditions:
Early-infantile DEE. Also called: Ohtahara syndrome; Early infantile epileptic encephalopathy; Early infantile epileptic encephalopathy with suppression bursts. Identifiers: Orphanet 1934, MedGen C0393706, MONDO:0800491.

Submission:

Labcorp Genetics (formerly Invitae), Labcorp
Classification: Uncertain significance for Early-infantile DEE. Last evaluated: 2021-07-13. Review status: criteria provided, single submitter. Criteria: Invitae Variant Classification Sherloc (09022015). Collection method: clinical testing. Allele origin: germline.
Comment: This sequence change falls in intron 6 of the SLC25A22 gene. It does not directly change the encoded amino acid sequence of the SLC25A22 protein, but it affects a nucleotide within the consensus splice site of the intron. This variant is not present in population databases (ExAC no frequency). This variant has not been reported in the literature in individuals with SLC25A22-related disease. Nucleotide substitutions within the consensus splice site are a relatively common cause of aberrant splicing (PMID: 17576681, 9536098). Algorithms developed to predict the effect of sequence changes on RNA splicing suggest that this variant may disrupt the consensus splice site, but this prediction has not been confirmed by published transcriptional studies. In summary, the available evidence is currently insufficient to determine the role of this variant in disease. Therefore, it has been classified as a Variant of Uncertain Significance.

Literature cited by the submitters: PubMed 17576681; PubMed 9536098.

NM_001191061.2(SLC25A22):c.412+3G>C

Gene: SLC25A22 (solute carrier family 25 member 22; minus strand). Cytogenetic location: 11p15.5.
Variant type: single nucleotide variant.
Coding change: c.412+3G>C on transcript NM_001191061.2 (MANE Select); 3 bases into the intron after coding-DNA position 412, G replaced by C.
Molecular consequence: intron variant.
Genome position (GRCh38, 1-based): chr11:792,867, C>G on the plus strand (G>C on the coding strand, the complement: SLC25A22 is on the minus strand). VCF-style: chr11-792867-C-G. GRCh37 (hg19) VCF-style: chr11-792867-C-G.
Other names: c.412+3G>C (NM_001191060.2, NM_024698.6).
Identifiers: ClinVar variation 569388 (VCV000569388.7), dbSNP rs1565036894, ClinGen allele CA891843461.